The following is an entry in ClinVar:

ClinVar aggregate classification (germline): Pathogenic. Review status: criteria provided, single submitter (1 of 4 stars). 2 submissions from 2 submitters: Pathogenic (1). 1 of the submissions does not count toward it. Last evaluated 2022-11-29.

Conditions:
Early-infantile DEE. Also called: Ohtahara syndrome; Early infantile epileptic encephalopathy with suppression bursts; Early infantile epileptic encephalopathy. Identifiers: Orphanet 1934, MedGen C0393706, MONDO:0800491.
Developmental and epileptic encephalopathy, 13 (DEE13). Also called: Early infantile epileptic encephalopathy 13; SCN8A-Related Epilepsy; Developmental and Epileptic Encephalopathy (SCN8A-DEE). Identifiers: Orphanet 442835, MedGen C3281191, MONDO:0013801, OMIM 614558.

Submissions (2):

Labcorp Genetics (formerly Invitae), Labcorp
Classification: Pathogenic for Early-infantile DEE. Last evaluated: 2022-11-29. Review status: criteria provided, single submitter. Criteria: Invitae Variant Classification Sherloc (09022015). Collection method: clinical testing. Allele origin: germline.
Comment: ClinVar contains an entry for this variant (Variation ID: 253295). This missense change has been observed in individual(s) with clinical features of SCN8A-related conditions (PMID: 25568300). In at least one individual the variant was observed to be de novo. This variant is not present in population databases (gnomAD no frequency). This sequence change replaces glutamine, which is neutral and polar, with glutamic acid, which is acidic and polar, at codon 1801 of the SCN8A protein (p.Gln1801Glu). Advanced modeling of protein sequence and biophysical properties (such as structural, functional, and spatial information, amino acid conservation, physicochemical variation, residue mobility, and thermodynamic stability) performed at Invitae indicates that this missense variant is expected to disrupt SCN8A protein function. For these reasons, this variant has been classified as Pathogenic.

GeneReviews
No classification provided. Condition: Developmental and epileptic encephalopathy, 13. Review status: no classification provided. Collection method: literature only. Allele origin: germline. Affected: yes. Not counted in ClinVar's aggregate classification.

Literature cited by the submitters: PubMed 25568300 (cited by Labcorp Genetics (formerly Invitae), Labcorp and GeneReviews); NCBI Bookshelf NBK379665 (cited by GeneReviews).

NM_001330260.2(SCN8A):c.5401C>G (p.Gln1801Glu)

Gene: SCN8A (sodium voltage-gated channel alpha subunit 8; plus strand). Cytogenetic location: 12q13.13.
Variant type: single nucleotide variant.
Coding change: c.5401C>G on transcript NM_001330260.2 (MANE Select); coding-DNA position 5401, C replaced by G.
Protein change: p.Gln1801Glu; replaces glutamine 1801 with glutamic acid.
Molecular consequence: missense variant.
Genome position (GRCh38, 1-based): chr12:51,806,887, C>G. VCF-style: chr12-51806887-C-G. GRCh37 (hg19) VCF-style: chr12-52200671-C-G.
Other names: c.5278C>G, p.Gln1760Glu (NM_001177984.3, NM_001369788.1); c.5401C>G, p.Gln1801Glu (NM_014191.4); short protein forms Q1801E, Q1760E.
Identifiers: ClinVar variation 253295 (VCV000253295.12), dbSNP rs879255710, ClinGen allele CA10586300.
Genomic context (GRCh38, chr12:51,806,887, plus strand): 5'-AGTGAGGATGACTTTGAGACCTTCTATGAGATCTGGGAGAAGTTCGACCCCGATGCCACC[C>G]AGTTCATTGAGTACTGTAAGCTGGCAGACTTTGCAGATGCCTTGGAGCATCCTCTCCGAG-3'
Protein context (NP_001317189.1, residues 1791-1811): IWEKFDPDAT[Gln1801Glu]FIEYCKLADF